The following is an entry in ClinVar:

NM_001386140.1(MTTP):c.873delinsTCACAGATGTGTATAAGAGA (p.Gly291_Gln292insHisArgCysValTer)

Gene: MTTP (microsomal triglyceride transfer protein; plus strand). Cytogenetic location: 4q23.
Variant type: Indel.
Coding change: c.873delinsTCACAGATGTGTATAAGAGA on transcript NM_001386140.1 (MANE Select); coding-DNA position 873, G replaced by TCACAGATGTGTATAAGAGA.
Protein change: p.Gly291_Gln292insHisArgCysValTer.
Molecular consequence: nonsense.
Genome position (GRCh38, 1-based): chr4:99,594,847, G replaced by TCACAGATGTGTATAAGAGA. VCF-style: chr4-99594847-G-TCACAGATGTGTATAAGAGA. GRCh37 (hg19) VCF-style: chr4-100516004-G-TCACAGATGTGTATAAGAGA.
Other names: c.873delinsTCACAGATGTGTATAAGAGA, p.Gly291_Gln292insHisArgCysValTer (NM_000253.4); c.624delinsTCACAGATGTGTATAAGAGA, p.Gly208_Gln209insHisArgCysValTer (NM_001300785.2).
Identifiers: ClinVar variation 5010798 (VCV005010798.1).

ClinVar aggregate classification (germline): Pathogenic (1 of 4 stars; one submission).

Conditions:
Abetalipoproteinaemia (ABL). Also called: MTP DEFICIENCY; Abetalipoproteinemia; Abetalipoproteinemia neuropathy; Apolipoprotein B deficiency; Congenital betalipoprotein deficiency syndrome. Identifiers: Orphanet 14, MedGen C0000744, MONDO:0008692, OMIM 200100, HP:0008181.

Submission:

Myriad Genetics, Inc.
Classification: Pathogenic for Abetalipoproteinaemia. Last evaluated: 2024-05-14. Review status: criteria provided, single submitter. Criteria: Myriad Autosomal Dominant, Autosomal Recessive and X-Linked Classification Criteria (2023). Collection method: clinical testing. Allele origin: unknown.
Comment: NM_000253.2(MTTP):c.873del1ins20(Q292Hfs*5) is expected to be pathogenic in the context of abetalipoproteinemia. This variant is predicted to lead to an abnormal or absent protein product due to the creation of a premature termination codon in MTTP, a gene where loss-of-function variants are known to be pathogenic. Please note: this variant was assessed in the context of healthy population screening.